The following is an entry in ClinVar:

ClinVar aggregate classification (germline): Likely benign. Review status: criteria provided, single submitter (1 of 4 stars). 2 submissions from 2 submitters: Likely benign (1). 1 of the submissions does not count toward it. Last evaluated 2019-12-31.

Conditions:
DPH1-related disorder. Also called: DPH1-related condition.

Allele frequency attached by ClinVar (database versions not stated): ESP Exome Variant Server 0.00008; gnomAD 0.00009; 1000 Genomes Project 30x 0.00016; TOPMed 0.00018; 1000 Genomes Project 0.00020.
gnomAD v4.1: 56 of 1,613,612 alleles (0.0035%); highest among the groups gnomAD compares: African/African-American, 0.033%; no homozygotes.

Submissions (2):

Labcorp Genetics (formerly Invitae), Labcorp
Classification: Likely benign. Last evaluated: 2019-12-31. Review status: criteria provided, single submitter. Criteria: Invitae Variant Classification Sherloc (09022015). Collection method: clinical testing. Allele origin: germline.

PreventionGenetics, part of Exact Sciences
Classification: Likely benign for DPH1-related condition. Last evaluated: 2019-05-31. Review status: no assertion criteria provided. Collection method: clinical testing. Allele origin: germline. Not counted in ClinVar's aggregate classification.
Comment: This variant is classified as likely benign based on ACMG/AMP sequence variant interpretation guidelines (Richards et al. 2015 PMID: 25741868, with internal and published modifications).

NM_001383.6(DPH1):c.582C>T (p.Ala194=)

Gene: DPH1 (diphthamide biosynthesis 1; plus strand). Cytogenetic location: 17p13.3.
Variant type: single nucleotide variant.
Coding change: c.582C>T on transcript NM_001383.6 (MANE Select); coding-DNA position 582, C replaced by T.
Protein change: p.Ala194=; no amino-acid change (alanine 194 retained).
Molecular consequence: synonymous variant. On other transcripts: non-coding transcript variant (3).
Genome position (GRCh38, 1-based): chr17:2,036,858, C>T. VCF-style: chr17-2036858-C-T. GRCh37 (hg19) VCF-style: chr17-1940152-C-T.
Other names: c.597C>T, p.Ala199= (NM_001346574.1); c.564C>T, p.Ala188= (NM_001346575.1); c.177C>T, p.Ala59= (NM_001346576.2); c.597C>T (NM_001383.4).
Identifiers: ClinVar variation 740425 (VCV000740425.6), dbSNP rs187964662, ClinGen allele CA8277056.
Genomic context (GRCh38, chr17:2,036,858, plus strand): 5'-CCAGCCGCTGGCTTCACTTCCCTCGTCATTCCTACAGGCAGCCGCCCAGGAGCTGAAAGC[C>T]GAGTATCGTGTGAGTGTCCCACAGTGCAAGCCCCTGTCCCCTGGAGAGATCCTGGGCTGC-3'
Protein context (NP_001374.4, residues 184-204): TLQAAAQELK[Ala194=]EYRVSVPQCK